The following is an entry in ClinVar:

NM_005612.5(REST):c.2018C>T (p.Ala673Val)

Gene: REST (RE1 silencing transcription factor; plus strand). Cytogenetic location: 4q12.
Variant type: single nucleotide variant.
Coding change: c.2018C>T on transcript NM_005612.5 (MANE Select); coding-DNA position 2018, C replaced by T.
Protein change: p.Ala673Val; replaces alanine 673 with valine.
Molecular consequence: missense variant.
Genome position (GRCh38, 1-based): chr4:56,930,876, C>T. VCF-style: chr4-56930876-C-T. GRCh37 (hg19) VCF-style: chr4-57797042-C-T.
Other names: c.2018C>T, p.Ala673Val (NM_001193508.2, NM_001363453.3); short protein forms A673V.
Identifiers: ClinVar variation 1003999 (VCV001003999.7), dbSNP rs556419593, ClinGen allele CA2932387.

ClinVar aggregate classification (germline): Uncertain significance (1 of 4 stars; one submission).

Allele frequency attached by ClinVar (database versions not stated): ExAC 0.00006; 1000 Genomes Project 30x 0.00016; 1000 Genomes Project 0.00020; TOPMed below 0.00001; gnomAD 0.00001 and 0.00002; gnomAD exomes 0.00003.

Submission:

Labcorp Genetics (formerly Invitae), Labcorp
Classification: Uncertain significance. Last evaluated: 2025-09-14. Review status: criteria provided, single submitter. Criteria: Invitae Variant Classification Sherloc (09022015). Collection method: clinical testing. Allele origin: germline.
Comment: This sequence change replaces alanine, which is neutral and non-polar, with valine, which is neutral and non-polar, at codon 673 of the REST protein (p.Ala673Val). This variant is present in population databases (rs556419593, gnomAD 0.04%). This variant has not been reported in the literature in individuals affected with REST-related conditions. ClinVar contains an entry for this variant (Variation ID: 1003999). An algorithm developed to predict the effect of missense changes on protein structure and function (PolyPhen-2) suggests that this variant is likely to be tolerated. In summary, the available evidence is currently insufficient to determine the role of this variant in disease. Therefore, it has been classified as a Variant of Uncertain Significance.